The following is an entry in ClinVar:

ClinVar aggregate classification (germline): Likely benign. Review status: criteria provided, multiple submitters, no conflicts (2 of 4 stars). 3 submissions from 3 submitters: Likely benign (2). 1 of the submissions does not count toward it. Last evaluated 2023-12-01.

Conditions:
KIDINS220-related disorder. Also called: KIDINS220-related condition.

Allele frequency attached by ClinVar (database versions not stated): gnomAD exomes 0.00006; ExAC 0.00007; TOPMed 0.00008; 1000 Genomes Project 30x 0.00016; 1000 Genomes Project 0.00020.

Submissions (3):

CeGaT Center for Human Genetics Tuebingen
Classification: Likely benign. Last evaluated: 2023-12-01. Review status: criteria provided, single submitter. Criteria: CeGaT Center For Human Genetics Tuebingen Variant Classification Criteria Version 2. Collection method: clinical testing. Allele origin: germline. Affected: yes. Observed: 2 variant alleles.
Comment: KIDINS220: BP4, BP7

Labcorp Genetics (formerly Invitae), Labcorp
Classification: Likely benign. Last evaluated: 2022-06-16. Review status: criteria provided, single submitter. Criteria: Invitae Variant Classification Sherloc (09022015). Collection method: clinical testing. Allele origin: germline.

PreventionGenetics, part of Exact Sciences
Classification: Likely benign for KIDINS220-related condition. Last evaluated: 2019-09-10. Review status: no assertion criteria provided. Collection method: clinical testing. Allele origin: germline. Not counted in ClinVar's aggregate classification.
Comment: This variant is classified as likely benign based on ACMG/AMP sequence variant interpretation guidelines (Richards et al. 2015 PMID: 25741868, with internal and published modifications).

NM_020738.4(KIDINS220):c.4404C>T (p.Asn1468=)

Gene: KIDINS220 (kinase D interacting substrate 220; minus strand). Cytogenetic location: 2p25.1.
Variant type: single nucleotide variant.
Coding change: c.4404C>T on transcript NM_020738.4 (MANE Select); coding-DNA position 4404, C replaced by T.
Protein change: p.Asn1468=; no amino-acid change (asparagine 1468 retained).
Molecular consequence: synonymous variant. On other transcripts: intron variant (6).
Genome position (GRCh38, 1-based): chr2:8,731,632, G>A on the plus strand (C>T on the coding strand, the complement: KIDINS220 is on the minus strand). VCF-style: chr2-8731632-G-A. GRCh37 (hg19) VCF-style: chr2-8871762-G-A.
Other names: c.4404C>T (NM_020738.2); c.4407C>T, p.Asn1469= (NM_001348729.2); c.4350C>T, p.Asn1450= (NM_001348731.2); c.4347C>T, p.Asn1449= (NM_001348732.2); c.4236C>T, p.Asn1412= (NM_001348734.2); c.4233C>T, p.Asn1411= (NM_001348735.2); c.4107C>T, p.Asn1369= (NM_001348736.2); c.3882+1812C>T (NM_001348741.2, NM_001348742.2, NM_001348743.2); and 2 more.
Identifiers: ClinVar variation 2417756 (VCV002417756.32), dbSNP rs77234849, ClinGen allele CA1519368.